The following is an entry in ClinVar:

NM_001035.3(RYR2):c.13276G>C (p.Glu4426Gln)

Gene: RYR2 (ryanodine receptor 2; plus strand). Cytogenetic location: 1q43.
Variant type: single nucleotide variant.
Coding change: c.13276G>C on transcript NM_001035.3 (MANE Select); coding-DNA position 13276, G replaced by C.
Protein change: p.Glu4426Gln; replaces glutamic acid 4426 with glutamine.
Molecular consequence: missense variant.
Genome position (GRCh38, 1-based): chr1:237,785,984, G>C. VCF-style: chr1-237785984-G-C. GRCh37 (hg19) VCF-style: chr1-237949284-G-C.
Other names: short protein forms E4426Q.
Identifiers: ClinVar variation 5028707 (VCV005028707.1).

ClinVar aggregate classification (germline): Uncertain significance (1 of 4 stars; one submission).

Conditions:
Cardiovascular phenotype. Identifiers: MedGen CN230736.

Submission:

Ambry Genetics
Classification: Uncertain significance for Cardiovascular phenotype. Last evaluated: 2026-08-24. Review status: criteria provided, single submitter. Criteria: Ambry Variant Classification Scheme 2023. Collection method: clinical testing. Allele origin: germline.
Comment: The p.E4426Q variant (also known as c.13276G>C), located in coding exon 91 of the RYR2 gene, results from a G to C substitution at nucleotide position 13276. The glutamic acid at codon 4426 is replaced by glutamine, an amino acid with highly similar properties. This amino acid position is conserved. In addition, the in silico prediction for this alteration is inconclusive. Based on the available evidence, the clinical significance of this variant remains unclear.